The following is an entry in ClinVar:

ClinVar aggregate classification (germline): Uncertain significance. Review status: criteria provided, multiple submitters, no conflicts (2 of 4 stars). 2 submissions from 2 submitters: Uncertain significance (2). Last evaluated 2024-09-06.

Allele frequency attached by ClinVar (database versions not stated): TOPMed below 0.00001.
gnomAD v4.1: 9 of 1,611,978 alleles (0.00056%); highest among the groups gnomAD compares: Non-Finnish European, 0.00076%; no homozygotes.

Submissions (2):

Labcorp Genetics (formerly Invitae), Labcorp
Classification: Uncertain significance. Last evaluated: 2024-09-06. Review status: criteria provided, single submitter. Criteria: Invitae Variant Classification Sherloc (09022015). Collection method: clinical testing. Allele origin: germline.
Comment: This sequence change falls in intron 9 of the PPOX gene. It does not directly change the encoded amino acid sequence of the PPOX protein. It affects a nucleotide within the consensus splice site. This variant is present in population databases (rs777244410, gnomAD 0.006%). This variant has been observed in individual(s) with clinical features of PPOX-related conditions (internal data). ClinVar contains an entry for this variant (Variation ID: 1057042). Variants that disrupt the consensus splice site are a relatively common cause of aberrant splicing (PMID: 17576681, 9536098). Algorithms developed to predict the effect of sequence changes on RNA splicing suggest that this variant may disrupt the consensus splice site. In summary, the available evidence is currently insufficient to determine the role of this variant in disease. Therefore, it has been classified as a Variant of Uncertain Significance.

GeneDx
Classification: Uncertain significance. Last evaluated: 2024-03-14. Review status: criteria provided, single submitter. Criteria: GeneDx Variant Classification Process June 2021. Collection method: clinical testing. Allele origin: germline. Affected: yes.
Comment: Has not been previously published as pathogenic or benign to our knowledge; In silico analysis is inconclusive as to whether the variant alters gene splicing. In the absence of RNA/functional studies, the actual effect of this sequence change is unknown.

Literature cited by the submitters: PubMed 17576681 (cited by Labcorp Genetics (formerly Invitae), Labcorp); PubMed 9536098 (cited by Labcorp Genetics (formerly Invitae), Labcorp).

NM_001122764.3(PPOX):c.987+5G>T

Gene: PPOX (protoporphyrinogen oxidase; plus strand). Cytogenetic location: 1q23.3.
Variant type: single nucleotide variant.
Coding change: c.987+5G>T on transcript NM_001122764.3 (MANE Select); 5 bases into the intron after coding-DNA position 987, G replaced by T.
Molecular consequence: intron variant.
Genome position (GRCh38, 1-based): chr1:161,170,029, G>T. VCF-style: chr1-161170029-G-T. GRCh37 (hg19) VCF-style: chr1-161139819-G-T.
Other names: c.501+5G>T (NM_001350130.2, NM_001350131.2, NM_001365401.1); c.888+5G>T (NM_001350128.2); c.579+5G>T (NM_001350129.2, NM_001365400.1); c.987+5G>T (NM_001365399.1, NM_000309.5, NM_001365398.1).
Identifiers: ClinVar variation 1057042 (VCV001057042.10), dbSNP rs777244410, ClinGen allele CA1207301.